The following is an entry in ClinVar:

NM_014014.5(SNRNP200):c.3398G>A (p.Arg1133Gln)

Gene: SNRNP200 (small nuclear ribonucleoprotein U5 subunit 200; minus strand). Cytogenetic location: 2q11.2.
Variant type: single nucleotide variant.
Coding change: c.3398G>A on transcript NM_014014.5 (MANE Select); coding-DNA position 3398, G replaced by A.
Protein change: p.Arg1133Gln; replaces arginine 1133 with glutamine.
Molecular consequence: missense variant.
Genome position (GRCh38, 1-based): chr2:96,287,525, C>T on the plus strand (G>A on the coding strand, the complement: SNRNP200 is on the minus strand). VCF-style: chr2-96287525-C-T. GRCh37 (hg19) VCF-style: chr2-96953263-C-T.
Other names: short protein forms R1133Q.
Identifiers: ClinVar variation 1365579 (VCV001365579.6), dbSNP rs1426272258, ClinGen allele CA347672754.

ClinVar aggregate classification (germline): Uncertain significance (1 of 4 stars; one submission).

Allele frequency attached by ClinVar (database versions not stated): gnomAD exomes below 0.00001; TOPMed 0.00001.

Submission:

Labcorp Genetics (formerly Invitae), Labcorp
Classification: Uncertain significance. Last evaluated: 2021-09-04. Review status: criteria provided, single submitter. Criteria: Invitae Variant Classification Sherloc (09022015). Collection method: clinical testing. Allele origin: germline.
Comment: This variant is not present in population databases (ExAC no frequency). This sequence change replaces arginine with glutamine at codon 1133 of the SNRNP200 protein (p.Arg1133Gln). The arginine residue is weakly conserved and there is a small physicochemical difference between arginine and glutamine. This missense change has been observed in individual(s) with clinical features of autosomal dominant retinitis pigmentosa (Invitae). Algorithms developed to predict the effect of missense changes on protein structure and function (SIFT, PolyPhen-2, Align-GVGD) all suggest that this variant is likely to be tolerated. Algorithms developed to predict the effect of sequence changes on RNA splicing suggest that this variant may create or strengthen a splice site. In summary, the available evidence is currently insufficient to determine the role of this variant in disease. Therefore, it has been classified as a Variant of Uncertain Significance.